The following is an entry in ClinVar:

ClinVar aggregate classification (germline): Uncertain significance (1 of 4 stars; one submission).

Conditions:
Hereditary cancer-predisposing syndrome. Also called: Neoplastic Syndromes, Hereditary; Tumor predisposition; Hereditary neoplastic syndrome; Hereditary Cancer Syndrome. Identifiers: Orphanet 140162, MedGen C0027672, MeSH D009386, MONDO:0015356.

Submission:

Ambry Genetics
Classification: Uncertain significance for Hereditary cancer-predisposing syndrome. Last evaluated: 2026-07-06. Review status: criteria provided, single submitter. Criteria: Ambry Variant Classification Scheme 2023. Collection method: clinical testing. Allele origin: germline.
Comment: The p.Q400H variant (also known as c.1200G>C), located in coding exon 12 of the NF2 gene, results from a G to C substitution at nucleotide position 1200. The glutamine at codon 400 is replaced by histidine, an amino acid with highly similar properties. This amino acid position is conserved. In addition, the in silico prediction for this alteration is inconclusive. Based on the available evidence, the clinical significance of this variant remains unclear.

NM_000268.4(NF2):c.1200G>C (p.Gln400His)

Gene: NF2 (NF2, moesin-ezrin-radixin like (MERLIN) tumor suppressor; plus strand). Cytogenetic location: 22q12.2.
Variant type: single nucleotide variant.
Coding change: c.1200G>C on transcript NM_000268.4 (MANE Select); coding-DNA position 1200, G replaced by C.
Protein change: p.Gln400His; replaces glutamine 400 with histidine.
Molecular consequence: missense variant. On other transcripts: intron variant (1).
Genome position (GRCh38, 1-based): chr22:29,673,346, G>C. VCF-style: chr22-29673346-G-C. GRCh37 (hg19) VCF-style: chr22-30069335-G-C.
Other names: c.1086G>C, p.Gln362His (NM_001407053.1, NM_001407056.1); c.1077G>C, p.Gln359His (NM_001407054.1, NM_001407058.1, NM_181829.3); c.1074G>C, p.Gln358His (NM_001407055.1, NM_181828.3); c.1065G>C, p.Gln355His (NM_001407057.1, NM_001407059.1); c.1200G>C, p.Gln400His (NM_001407060.1, NM_001407066.1, NM_016418.5 and 2 more transcripts); c.942G>C, p.Gln314His (NM_001407062.1); c.951G>C, p.Gln317His (NM_001407063.1, NM_001407064.1, NM_181830.3 and 1 more transcripts); c.666G>C, p.Gln222His (NM_001407065.1); and 2 more; short protein forms Q314H, Q355H, Q359H, Q317H, Q358H, Q362H, Q222H, Q323H.
Identifiers: ClinVar variation 5025695 (VCV005025695.1).